The following is an entry in ClinVar:

NM_001267550.2(TTN):c.16621+1G>T

Gene: TTN (titin; minus strand). Cytogenetic location: 2q31.2.
Variant type: single nucleotide variant.
Coding change: c.16621+1G>T on transcript NM_001267550.2 (MANE Select); the canonical splice donor site of the intron after coding-DNA position 16621, G replaced by T.
Molecular consequence: splice donor variant. On other transcripts: intron variant (3).
Genome position (GRCh38, 1-based): chr2:178,732,439, C>A on the plus strand (G>T on the coding strand, the complement: TTN is on the minus strand). VCF-style: chr2-178732439-C-A. GRCh37 (hg19) VCF-style: chr2-179597166-C-A.
Other names: c.13282+5643G>T (NM_003319.4); c.13858+5643G>T (NM_133437.4); c.13657+5643G>T (NM_133432.3); c.12889+1G>T (NM_133378.4); c.15670+1G>T (NM_001256850.1).
Identifiers: ClinVar variation 579616 (VCV000579616.12), dbSNP rs761965693, ClinGen allele CA2002009.

ClinVar aggregate classification (germline): Conflicting classifications of pathogenicity. Review status: criteria provided, conflicting classifications (1 of 4 stars). 2 submissions from 2 submitters: Likely pathogenic (1); Uncertain significance (1). Last evaluated 2025-10-02.

Conditions:
Dilated cardiomyopathy 1G (CMD1G). Identifiers: Orphanet 154, MedGen C1858763, MONDO:0011400, OMIM 604145.
Autosomal recessive limb-girdle muscular dystrophy type 2J (LGMDR10). Also called: Limb-girdle muscular dystrophy, type 2J; MUSCULAR DYSTROPHY, LIMB-GIRDLE, AUTOSOMAL RECESSIVE 10. Identifiers: Orphanet 140922, MedGen C1837342, MONDO:0012127, OMIM 608807.

Allele frequency attached by ClinVar (database versions not stated): gnomAD exomes 0.00001 and 0.00002; TOPMed 0.00001; ExAC 0.00003.
gnomAD v4.1: 4 of 1,598,192 alleles (0.00025%); highest among the groups gnomAD compares: East Asian, 0.009%; no homozygotes.

Submissions (2):

Labcorp Genetics (formerly Invitae), Labcorp
Classification: Likely pathogenic for Dilated cardiomyopathy 1G; Autosomal recessive limb-girdle muscular dystrophy type 2J. Last evaluated: 2025-10-02. Review status: criteria provided, single submitter. Criteria: Invitae Variant Classification Sherloc (09022015). Collection method: clinical testing. Allele origin: germline.
Comment: This sequence change affects a donor splice site in intron 56 of the TTN gene. It is expected to disrupt RNA splicing and likely results in a truncated or disrupted TTN protein. This variant is present in population databases (rs761965693, gnomAD 0.04%). Disruption of this splice site has been observed in individual(s) with clinical features of TTN-related conditions (PMID: 29691892, 33060286). ClinVar contains an entry for this variant (Variation ID: 579616). Algorithms developed to predict the effect of sequence changes on RNA splicing suggest that this variant may disrupt the consensus splice site. This variant is located in the I band of TTN (PMID: 25589632). Truncating variants in this region have been reported in individuals affected with autosomal recessive centronuclear myopathy (PMID: 23975875, internal data). Truncating variants in this region have also been identified in individuals affected with autosomal dominant dilated cardiomyopathy and/or cardio-related conditions (PMID: 27869827, 32964742, internal data). In summary, the currently available evidence indicates that the variant is pathogenic, but additional data are needed to prove that conclusively. Therefore, this variant has been classified as Likely Pathogenic.

GeneDx
Classification: Uncertain significance. Last evaluated: 2024-11-08. Review status: criteria provided, single submitter. Criteria: GeneDx Variant Classification Process June 2021. Collection method: clinical testing. Allele origin: germline. Affected: yes.
Comment: Canonical splice site variant with an unclear effect on protein function; Reported with a second TTN variant on the opposite allele (in trans) in an individual with distal arthrogryposis (PMID: 29691892, 33060286); This variant is associated with the following publications: (PMID: 23975875, 26701604, 25589632, 22335739, 33060286, 32778822, 29691892)

Literature cited by the submitters: PubMed 29691892 (cited by Labcorp Genetics (formerly Invitae), Labcorp); PubMed 33060286 (cited by Labcorp Genetics (formerly Invitae), Labcorp); PubMed 25589632 (cited by Labcorp Genetics (formerly Invitae), Labcorp); PubMed 23975875 (cited by Labcorp Genetics (formerly Invitae), Labcorp); PubMed 27869827 (cited by Labcorp Genetics (formerly Invitae), Labcorp); PubMed 32964742 (cited by Labcorp Genetics (formerly Invitae), Labcorp).